The following is an entry in ClinVar:

ClinVar aggregate classification (germline): Uncertain significance (1 of 4 stars; one submission).

Allele frequency attached by ClinVar (database versions not stated): ExAC 0.00002; gnomAD 0.00003; gnomAD exomes 0.00003; TOPMed 0.00004; ESP Exome Variant Server 0.00008.
gnomAD v4.1: 55 of 1,614,020 alleles (0.0034%); highest among the groups gnomAD compares: Non-Finnish European, 0.0039%; no homozygotes.

Submission:

Labcorp Genetics (formerly Invitae), Labcorp
Classification: Uncertain significance. Last evaluated: 2022-06-12. Review status: criteria provided, single submitter. Criteria: Invitae Variant Classification Sherloc (09022015). Collection method: clinical testing. Allele origin: germline.
Comment: This sequence change replaces glycine, which is neutral and non-polar, with valine, which is neutral and non-polar, at codon 322 of the ACBD5 protein (p.Gly322Val). This variant is present in population databases (rs370914625, gnomAD 0.002%). This variant has not been reported in the literature in individuals affected with ACBD5-related conditions. Algorithms developed to predict the effect of missense changes on protein structure and function are either unavailable or do not agree on the potential impact of this missense change (SIFT: "Deleterious"; PolyPhen-2: "Probably Damaging"; Align-GVGD: "Class C0"). Algorithms developed to predict the effect of sequence changes on RNA splicing suggest that this variant may create or strengthen a splice site. In summary, the available evidence is currently insufficient to determine the role of this variant in disease. Therefore, it has been classified as a Variant of Uncertain Significance.

NM_145698.5(ACBD5):c.965G>T (p.Gly322Val)

Gene: ACBD5 (acyl-CoA binding domain containing 5; minus strand). Cytogenetic location: 10p12.1.
Variant type: single nucleotide variant.
Coding change: c.965G>T on transcript NM_145698.5 (MANE Select); coding-DNA position 965, G replaced by T.
Protein change: p.Gly322Val; replaces glycine 322 with valine.
Molecular consequence: missense variant.
Genome position (GRCh38, 1-based): chr10:27,211,053, C>A on the plus strand (G>T on the coding strand, the complement: ACBD5 is on the minus strand). VCF-style: chr10-27211053-C-A. GRCh37 (hg19) VCF-style: chr10-27499982-C-A.
Other names: c.860G>T, p.Gly287Val (NM_001042473.4, NM_001352577.2, NM_001352578.2 and 1 more transcripts); c.959G>T, p.Gly320Val (NM_001271512.3); c.638G>T, p.Gly213Val (NM_001301251.2, NM_001301252.2, NM_001301253.2 and 2 more transcripts); c.434G>T, p.Gly145Val (NM_001301254.2); c.1019G>T, p.Gly340Val (NM_001352568.1); c.998G>T, p.Gly333Val (NM_001352569.1); c.965G>T, p.Gly322Val (NM_001352570.1); c.992G>T, p.Gly331Val (NM_001352571.1); and 10 more; short protein forms G254V, G322V, G340V, G213V, G224V, G263V, G265V, G252V.
Identifiers: ClinVar variation 1928598 (VCV001928598.2), dbSNP rs370914625, ClinGen allele CA5450775.